The following is an entry in ClinVar:

ClinVar aggregate classification (germline): Pathogenic (1 of 4 stars; one submission).

Allele frequency attached by ClinVar (database versions not stated): TOPMed below 0.00001.

Submission:

Labcorp Genetics (formerly Invitae), Labcorp
Classification: Pathogenic. Last evaluated: 2024-03-10. Review status: criteria provided, single submitter. Criteria: Invitae Variant Classification Sherloc (09022015). Collection method: clinical testing. Allele origin: germline.
Comment: This sequence change creates a premature translational stop signal (p.Leu299Cysfs*3) in the CYP11B2 gene. It is expected to result in an absent or disrupted protein product. Loss-of-function variants in CYP11B2 are known to be pathogenic (PMID: 20494601, 22801770, 26936515). This variant is not present in population databases (gnomAD no frequency). This variant has not been reported in the literature in individuals affected with CYP11B2-related conditions. ClinVar contains an entry for this variant (Variation ID: 2098081). For these reasons, this variant has been classified as Pathogenic.

Literature cited by the submitters: PubMed 20494601; PubMed 22801770; PubMed 26936515.

NM_000498.3(CYP11B2):c.895del (p.Leu299fs)

Genes: CYP11B2 (cytochrome P450 family 11 subfamily B member 2; minus strand), LOC106799834 (CYP11B2 recombination region; plus strand). Cytogenetic location: 8q24.3.
Variant type: Deletion.
Coding change: c.895del on transcript NM_000498.3 (MANE Select); coding-DNA position 895, one base deleted (C; older notation c.895delC).
Protein change: p.Leu299fs; shifts the reading frame from leucine 299.
Molecular consequence: frameshift variant.
Genome position (GRCh38, 1-based): chr8:142,914,323, G deleted on the plus strand (C on the coding strand, the reverse complement: CYP11B2 is on the minus strand). VCF-style (leftmost placement, unchanged base first): chr8-142914322-AG-A. GRCh37 (hg19) VCF-style: chr8-143995738-AG-A.
Other names: short protein forms L299fs.
Identifiers: ClinVar variation 2098081 (VCV002098081.4), dbSNP rs1817596770, ClinGen allele CA1825515483.